The following is an entry in ClinVar:

ClinVar aggregate classification (germline): Uncertain significance (1 of 4 stars; one submission).

Conditions:
Carnitine palmitoyltransferase II deficiency. Also called: Carnitine Palmitoyltransferase 2 Deficiency. Identifiers: Orphanet 157, MedGen C0342790, MONDO:0015515.

Submission:

Labcorp Genetics (formerly Invitae), Labcorp
Classification: Uncertain significance for Carnitine palmitoyltransferase II deficiency. Last evaluated: 2021-05-18. Review status: criteria provided, single submitter. Criteria: Invitae Variant Classification Sherloc (09022015). Collection method: clinical testing. Allele origin: germline.
Comment: This variant has not been reported in the literature in individuals with CPT2-related conditions. Advanced modeling of protein sequence and biophysical properties (such as structural, functional, and spatial information, amino acid conservation, physicochemical variation, residue mobility, and thermodynamic stability) performed at Invitae indicates that this missense variant is not expected to disrupt CPT2 protein function. In summary, the available evidence is currently insufficient to determine the role of this variant in disease. Therefore, it has been classified as a Variant of Uncertain Significance. This variant is not present in population databases (ExAC no frequency). This sequence change replaces arginine with serine at codon 316 of the CPT2 protein (p.Arg316Ser). The arginine residue is moderately conserved and there is a moderate physicochemical difference between arginine and serine.

NM_000098.3(CPT2):c.948G>T (p.Arg316Ser)

Gene: CPT2 (carnitine palmitoyltransferase 2; plus strand). Cytogenetic location: 1p32.3.
Variant type: single nucleotide variant.
Coding change: c.948G>T on transcript NM_000098.3 (MANE Select); coding-DNA position 948, G replaced by T.
Protein change: p.Arg316Ser; replaces arginine 316 with serine.
Molecular consequence: missense variant.
Genome position (GRCh38, 1-based): chr1:53,210,622, G>T. VCF-style: chr1-53210622-G-T. GRCh37 (hg19) VCF-style: chr1-53676294-G-T.
Other names: c.948G>T, p.Arg316Ser (NM_001330589.2); short protein forms R316S.
Identifiers: ClinVar variation 1492726 (VCV001492726.8), dbSNP rs1294086660, ClinGen allele CA340394187.